The following is an entry in ClinVar:

NM_015046.7(SETX):c.5588C>T (p.Thr1863Ile)

Gene: SETX (senataxin; minus strand). Cytogenetic location: 9q34.13.
Variant type: single nucleotide variant.
Coding change: c.5588C>T on transcript NM_015046.7 (MANE Select); coding-DNA position 5588, C replaced by T.
Protein change: p.Thr1863Ile; replaces threonine 1863 with isoleucine.
Molecular consequence: missense variant.
Genome position (GRCh38, 1-based): chr9:132,298,273, G>A on the plus strand (C>T on the coding strand, the complement: SETX is on the minus strand). VCF-style: chr9-132298273-G-A. GRCh37 (hg19) VCF-style: chr9-135173660-G-A.
Other names: c.5588C>T, p.Thr1863Ile (NM_001351527.2, NM_001351528.2); short protein forms T1863I.
Identifiers: ClinVar variation 3761253 (VCV003761253.2).
Genomic context (GRCh38, chr9:132,298,273, plus strand): 5'-AGAGAACTGATTACAATACAATTCACAAGTTCGTTTAAATTGGCCGGAAAGTTCTCTTGA[G>A]TCTGGATGGAAAGGTAACACTCAGTTTTCCCATTACGCACTATCATCAAGAAAGAGAAAA-3'
Protein context (NP_055861.3, residues 1853-1873): GKTECYLSIQ[Thr1863Ile]QENFPANLNE

ClinVar aggregate classification (germline): Uncertain significance (1 of 4 stars; one submission).

Conditions:
Spinocerebellar ataxia, autosomal recessive, with axonal neuropathy 2 (SCAN2). Also called: Ataxia-ocular apraxia-2; ATAXIA-OCULOMOTOR APRAXIA 2; Ataxia with Oculomotor Apraxia; Ataxia with Oculomotor Apraxia Type 2. Identifiers: Orphanet 64753, MedGen C1853761, MONDO:0018996, OMIM 606002.
Amyotrophic lateral sclerosis type 4 (ALS4). Also called: AMYOTROPHIC LATERAL SCLEROSIS 4, JUVENILE; NEURONOPATHY, DISTAL HEREDITARY MOTOR, WITH PYRAMIDAL FEATURES. Identifiers: Orphanet 357043, MedGen C1865409, MONDO:0011223, OMIM 602433.

gnomAD v4.1: 17 of 1,613,986 alleles (0.0011%); highest among the groups gnomAD compares: African/African-American, 0.0013%; no homozygotes.

Submission:

Labcorp Genetics (formerly Invitae), Labcorp
Classification: Uncertain significance for Amyotrophic lateral sclerosis type 4; Spinocerebellar ataxia, autosomal recessive, with axonal neuropathy 2. Last evaluated: 2026-01-14. Review status: criteria provided, single submitter. Criteria: Invitae Variant Classification Sherloc (09022015). Collection method: clinical testing. Allele origin: germline.
Comment: This sequence change replaces threonine, which is neutral and polar, with isoleucine, which is neutral and non-polar, at codon 1863 of the SETX protein (p.Thr1863Ile). This variant is not present in population databases (gnomAD no frequency). This variant has not been reported in the literature in individuals affected with SETX-related conditions. ClinVar contains an entry for this variant (Variation ID: 3761253). Invitae Evidence Modeling of protein sequence and biophysical properties (such as structural, functional, and spatial information, amino acid conservation, physicochemical variation, residue mobility, and thermodynamic stability) indicates that this missense variant is not expected to disrupt SETX protein function with a negative predictive value of 95%. Algorithms developed to predict the effect of sequence changes on RNA splicing suggest that this variant may create or strengthen a splice site. In summary, the available evidence is currently insufficient to determine the role of this variant in disease. Therefore, it has been classified as a Variant of Uncertain Significance.